The following is an entry in ClinVar:

ClinVar aggregate classification (germline): Likely benign. Review status: reviewed by expert panel (3 of 4 stars). 3 submissions from 3 submitters: Likely benign (1). 2 of the submissions do not count toward it. Last evaluated 2026-11-20.

Conditions:
Primary ciliary dyskinesia. Also called: Ciliary dyskinesia. Identifiers: Orphanet 244, MedGen C0008780, MONDO:0016575, HP:0012265.
RPGR-related disorder. Also called: RPGR-related condition.
RPGR-related retinopathy. Also called: RPGR retinopathy. Identifiers: MedGen CN305589, MONDO:0100437.

Allele frequency attached by ClinVar (database versions not stated): gnomAD exomes 0.00003 and 0.00017; gnomAD 0.00007 and 0.00008; TOPMed 0.00008; ExAC 0.00010.
gnomAD v4.1: 44 of 1,205,649 alleles (0.0036%); highest among the groups gnomAD compares: Admixed American, 0.09%; no homozygotes.

Submissions (3):

ClinGen X-linked Inherited Retinal Disease Variant Curation Expert Panel, ClinGen
Classification: Likely benign for RPGR-related retinopathy. Last evaluated: 2026-11-20. Review status: reviewed by expert panel. Criteria: ClinGen X LinkedIRD ACMG Specifications RPGR V1.0.0. Collection method: curation. Allele origin: germline. Inheritance: X-linked inheritance.
Comment: The NM_001034853.2(RPGR):c.619+6A>G variant is an intronic variant located at intron 6, located 6 nucleotides after exon 6. This variant is present in gnomAD v.4.1.2 at a frequency of 0.0000381197 among hemizygous individuals, with 9 variant alleles / 75558 total alleles, which is higher than the ClinGen X-linked IRD VCEP BS1 threshold of >0.000005 (BS1). The splicing impact predictor SpliceAI gives a delta score of 0.06, which is below the ClinGen X-linked IRD VCEP recommended threshold of <0.1 and does not strongly predict an impact on splicing (BP4). In summary, this variant is classified as Likely Benign for RPGR-related retinopathy based on the ClinGen X-linked Inherited Retinal Disease Expert Panel Specifications to the ACMG/AMP Variant Interpretation Guidelines for RPGR, Version 1.0.0, using the following evidence codes: BS1 and BP4.

PreventionGenetics, part of Exact Sciences
Classification: Likely benign for RPGR-related condition. Last evaluated: 2026-06-20. Review status: criteria provided, single submitter. Criteria: ACMG Guidelines, 2015. Collection method: clinical testing. Allele origin: germline. Not counted in ClinVar's aggregate classification.
Comment: This variant is classified as likely benign based on ACMG/AMP sequence variant interpretation guidelines (Richards et al. 2015 PMID: 25741868, with internal and published modifications).

Labcorp Genetics (formerly Invitae), Labcorp
Classification: Benign for Primary ciliary dyskinesia. Last evaluated: 2025-11-15. Review status: criteria provided, single submitter. Criteria: Invitae Variant Classification Sherloc (09022015). Collection method: clinical testing. Allele origin: germline. Not counted in ClinVar's aggregate classification.

NM_001034853.2(RPGR):c.619+6A>G

Gene: RPGR (retinitis pigmentosa GTPase regulator; minus strand). Cytogenetic location: Xp11.4.
Variant type: single nucleotide variant.
Coding change: c.619+6A>G on transcript NM_001034853.2 (MANE Select); 6 bases into the intron after coding-DNA position 619, A replaced by G.
Molecular consequence: intron variant.
Genome position (GRCh38, 1-based): chrX:38,317,310, T>C on the plus strand (A>G on the coding strand, the complement: RPGR is on the minus strand). VCF-style: chrX-38317310-T-C. GRCh37 (hg19) VCF-style: chrX-38176563-T-C.
Other names: c.616+6A>G (NM_001367249.1); c.619+6A>G (NM_001367250.1, NM_001367245.1, NM_001367251.1 and 4 more transcripts); c.649+6A>G (NM_001367248.1).
Identifiers: ClinVar variation 695740 (VCV000695740.12), dbSNP rs760782164, ClinGen allele CA10385626.
Genomic context (GRCh38, chrX:38,317,310, plus strand): 5'-TTCATTATTAATTTAATAACAACATAGAAGTGGGAGATAACATGATGACTTCAAAATGTG[T>C]CTTACTTGTTACAAAAGCTGAATGGTAATATCCACAAGAGATCCAGGAGACAGGTTTCCC-3'